The following is an entry in ClinVar:

ClinVar aggregate classification (germline): Uncertain significance (1 of 4 stars; one submission).

Allele frequency attached by ClinVar (database versions not stated): gnomAD 0.00001; gnomAD exomes 0.00002; TOPMed 0.00002.
gnomAD v4.1: 29 of 1,613,948 alleles (0.0018%); highest among the groups gnomAD compares: Non-Finnish European, 0.0025%; no homozygotes.

Submission:

Labcorp Genetics (formerly Invitae), Labcorp
Classification: Uncertain significance. Last evaluated: 2021-12-29. Review status: criteria provided, single submitter. Criteria: Invitae Variant Classification Sherloc (09022015). Collection method: clinical testing. Allele origin: germline.
Comment: This sequence change falls in intron 9 of the EIF2B3 gene. It does not directly change the encoded amino acid sequence of the EIF2B3 protein. It affects a nucleotide within the consensus splice site. This variant is present in population databases (no rsID available, gnomAD 0.0009%). This variant has not been reported in the literature in individuals affected with EIF2B3-related conditions. Variants that disrupt the consensus splice site are a relatively common cause of aberrant splicing (PMID: 17576681, 9536098). Algorithms developed to predict the effect of sequence changes on RNA splicing suggest that this variant is not likely to affect RNA splicing. In summary, the available evidence is currently insufficient to determine the role of this variant in disease. Therefore, it has been classified as a Variant of Uncertain Significance.

Literature cited by the submitters: PubMed 17576681; PubMed 9536098.

NM_020365.5(EIF2B3):c.1054-3C>T

Gene: EIF2B3 (eukaryotic translation initiation factor 2B subunit gamma; minus strand). Cytogenetic location: 1p34.1.
Variant type: single nucleotide variant.
Coding change: c.1054-3C>T on transcript NM_020365.5 (MANE Select); 3 bases into the intron before coding-DNA position 1054, C replaced by T.
Molecular consequence: intron variant.
Genome position (GRCh38, 1-based): chr1:44,874,829, G>A on the plus strand (C>T on the coding strand, the complement: EIF2B3 is on the minus strand). VCF-style: chr1-44874829-G-A. GRCh37 (hg19) VCF-style: chr1-45340501-G-A.
Other names: c.1054-3C>T (NM_001261418.2, NM_001166588.3).
Identifiers: ClinVar variation 1932376 (VCV001932376.2), dbSNP rs1423055377, ClinGen allele CA522548210.